The following is an entry in ClinVar:

NM_000051.4(ATM):c.908A>G (p.Tyr303Cys)

Gene: ATM (ATM serine/threonine kinase; plus strand). Cytogenetic location: 11q22.3.
Variant type: single nucleotide variant.
Coding change: c.908A>G on transcript NM_000051.4 (MANE Select); coding-DNA position 908, A replaced by G.
Protein change: p.Tyr303Cys; replaces tyrosine 303 with cysteine.
Molecular consequence: missense variant.
Genome position (GRCh38, 1-based): chr11:108,246,970, A>G. VCF-style: chr11-108246970-A-G. GRCh37 (hg19) VCF-style: chr11-108117697-A-G.
Other names: c.908A>G, p.Tyr303Cys (NM_001351834.2); short protein forms Y303C.
Identifiers: ClinVar variation 2005973 (VCV002005973.4), dbSNP rs2497178459, ClinGen allele CA382530443.
Genomic context (GRCh38, chr11:108,246,970, plus strand): 5'-CAGTGTAAACAGAGTACATACATAAAAATTACATTTTAATTTTTTGGATTACAGGTGCTT[A>G]TGAATCAACAAAATGGAGAAGTATTTTATACAACTTATATGATCTGCTAGTGAATGAGAT-3'
Protein context (NP_000042.3, residues 293-313): KGAKTQEKGA[Tyr303Cys]ESTKWRSILY

ClinVar aggregate classification (germline): Uncertain significance (1 of 4 stars; one submission).

Conditions:
Ataxia-telangiectasia syndrome (AT). Also called: Ataxia-telangiectasia, complementation group E; Ataxia-telangiectasia; ATAXIA-TELANGIECTASIA, COMPLEMENTATION GROUP A; Ataxia-telangiectasia, complementation group D; Ataxia telangiectasia (A-T); LOUIS-BAR SYNDROME. Identifiers: Orphanet 100, MedGen C0004135, MONDO:0008840, OMIM 208900.

Submission:

Labcorp Genetics (formerly Invitae), Labcorp
Classification: Uncertain significance for Ataxia-telangiectasia syndrome. Last evaluated: 2022-06-13. Review status: criteria provided, single submitter. Criteria: Invitae Variant Classification Sherloc (09022015). Collection method: clinical testing. Allele origin: germline.
Comment: In summary, the available evidence is currently insufficient to determine the role of this variant in disease. Therefore, it has been classified as a Variant of Uncertain Significance. Advanced modeling of protein sequence and biophysical properties (such as structural, functional, and spatial information, amino acid conservation, physicochemical variation, residue mobility, and thermodynamic stability) performed at Invitae indicates that this missense variant is not expected to disrupt ATM protein function. This variant has not been reported in the literature in individuals affected with ATM-related conditions. This variant is not present in population databases (gnomAD no frequency). This sequence change replaces tyrosine, which is neutral and polar, with cysteine, which is neutral and slightly polar, at codon 303 of the ATM protein (p.Tyr303Cys).